The following is an entry in ClinVar:

NM_014363.6(SACS):c.13176C>G (p.Tyr4392Ter)

Gene: SACS (sacsin molecular chaperone; minus strand). Cytogenetic location: 13q12.12.
Variant type: single nucleotide variant.
Coding change: c.13176C>G on transcript NM_014363.6 (MANE Select); coding-DNA position 13176, C replaced by G.
Protein change: p.Tyr4392Ter; replaces tyrosine 4392 with a stop codon.
Molecular consequence: nonsense.
Genome position (GRCh38, 1-based): chr13:23,330,700, G>C on the plus strand (C>G on the coding strand, the complement: SACS is on the minus strand). VCF-style: chr13-23330700-G-C. GRCh37 (hg19) VCF-style: chr13-23904839-G-C.
Other names: c.12735C>G, p.Tyr4245Ter (NM_001278055.2); short protein forms Y4245*, Y4392*.
Identifiers: ClinVar variation 1175062 (VCV001175062.11), dbSNP rs1285760809, ClinGen allele CA387505835.

ClinVar aggregate classification (germline): Pathogenic. Review status: criteria provided, multiple submitters, no conflicts (2 of 4 stars). 4 submissions from 4 submitters: Pathogenic (2). 2 of the submissions do not count toward it. Last evaluated 2022-09-07.

Conditions:
Charlevoix-Saguenay spastic ataxia (SACS). Also called: AUTOSOMAL RECESSIVE SPASTIC ATAXIA OF CHARLEVOIX-SAGUENAY; SPASTIC ATAXIA 6, AUTOSOMAL RECESSIVE; Spastic ataxia of Charlevoix-Saguenay. Identifiers: Orphanet 98, MedGen C1849140, MONDO:0010041, OMIM 270550.
Spastic paraplegia. Identifiers: MedGen C0037772, HP:0001258.

Submissions (4):

Labcorp Genetics (formerly Invitae), Labcorp
Classification: Pathogenic for Spastic paraplegia. Last evaluated: 2022-09-07. Review status: criteria provided, single submitter. Criteria: Invitae Variant Classification Sherloc (09022015). Collection method: clinical testing. Allele origin: germline.
Comment: This sequence change creates a premature translational stop signal (p.Tyr4392*) in the SACS gene. While this is not anticipated to result in nonsense mediated decay, it is expected to disrupt the last 188 amino acid(s) of the SACS protein. This variant is not present in population databases (gnomAD no frequency). This variant has not been reported in the literature in individuals affected with SACS-related conditions. ClinVar contains an entry for this variant (Variation ID: 1175062). This variant disrupts a region of the SACS protein in which other variant(s) (p.Asn4549Asp) have been determined to be pathogenic (PMID: 15156359, 21507954). This suggests that this is a clinically significant region of the protein, and that variants that disrupt it are likely to be disease-causing. For these reasons, this variant has been classified as Pathogenic.

PROSPAX: an integrated multimodal progression  chart in spastic ataxias, Center for Neurology; Hertie-Institute for Clinical Brain Research
Classification: Pathogenic for Charlevoix-Saguenay spastic ataxia. Last evaluated: 2022-01-01. Review status: criteria provided, single submitter. Criteria: ACMG Guidelines, 2015. Collection method: research. Allele origin: germline. Affected: yes. Observed: 1 variant allele, 1 homozygote.

Diagnostic Laboratory, Department of Genetics, University Medical Center Groningen
Classification: Pathogenic. Review status: no assertion criteria provided. Collection method: clinical testing. Allele origin: germline. Affected: yes. Study: VKGL Data-share Consensus. Not counted in ClinVar's aggregate classification.

Joint Genome Diagnostic Labs from Nijmegen and Maastricht, Radboudumc and MUMC+
Classification: Pathogenic. Review status: no assertion criteria provided. Collection method: clinical testing. Allele origin: germline. Affected: yes. Study: VKGL Data-share Consensus. Not counted in ClinVar's aggregate classification.

Literature cited by the submitters: PubMed 15156359 (cited by Labcorp Genetics (formerly Invitae), Labcorp); PubMed 21507954 (cited by Labcorp Genetics (formerly Invitae), Labcorp).